The following is an entry in ClinVar:

ClinVar aggregate classification (germline): Uncertain significance (1 of 4 stars; one submission).

Submission:

GeneDx
Classification: Uncertain significance. Last evaluated: 2023-10-20. Review status: criteria provided, single submitter. Criteria: GeneDx Variant Classification Process June 2021. Collection method: clinical testing. Allele origin: germline. Affected: yes.
Comment: Not observed at significant frequency in large population cohorts (gnomAD); In silico analysis supports that this missense variant does not alter protein structure/function; Has not been previously published as pathogenic or benign to our knowledge

NM_015488.5(PNKD):c.56G>A (p.Arg19His)

Genes: PNKD (PNKD metallo-beta-lactamase domain containing; plus strand), LOC129935594 (ATAC-STARR-seq lymphoblastoid active region 17117; plus strand). Cytogenetic location: 2q35.
Variant type: single nucleotide variant.
Coding change: c.56G>A on transcript NM_015488.5 (MANE Select); coding-DNA position 56, G replaced by A.
Protein change: p.Arg19His; replaces arginine 19 with histidine.
Molecular consequence: missense variant.
Genome position (GRCh38, 1-based): chr2:218,270,591, G>A. VCF-style: chr2-218270591-G-A. GRCh37 (hg19) VCF-style: chr2-219135314-G-A.
Other names: c.56G>A, p.Arg19His (NM_001077399.3); short protein forms R19H.
Identifiers: ClinVar variation 3366146 (VCV003366146.1).